The following is an entry in ClinVar:

ClinVar aggregate classification (germline): Uncertain significance (1 of 4 stars; one submission).

Conditions:
Dilated cardiomyopathy 1R (CMD1R). Identifiers: Orphanet 154, Orphanet 54260, MedGen C3150681, MONDO:0013261, OMIM 613424.
Atrial septal defect 5 (ASD5). Identifiers: Orphanet 1478, MedGen C2748552, MONDO:0013011, OMIM 612794.
Hypertrophic cardiomyopathy 11. Also called: ACTC1-Related Familial Hypertrophic Cardiomyopathy. Identifiers: MedGen C2677506, MONDO:0012799, OMIM 612098.

Submission:

Labcorp Genetics (formerly Invitae), Labcorp
Classification: Uncertain significance for Dilated cardiomyopathy 1R; Hypertrophic cardiomyopathy 11; Atrial septal defect 5. Last evaluated: 2022-07-17. Review status: criteria provided, single submitter. Criteria: Invitae Variant Classification Sherloc (09022015). Collection method: clinical testing. Allele origin: germline.
Comment: This sequence change replaces valine, which is neutral and non-polar, with leucine, which is neutral and non-polar, at codon 32 of the ACTC1 protein (p.Val32Leu). This variant is not present in population databases (gnomAD no frequency). This variant has not been reported in the literature in individuals affected with ACTC1-related conditions. Algorithms developed to predict the effect of missense changes on protein structure and function are either unavailable or do not agree on the potential impact of this missense change (SIFT: "Deleterious"; PolyPhen-2: "Benign"; Align-GVGD: "Class C25"). In summary, the available evidence is currently insufficient to determine the role of this variant in disease. Therefore, it has been classified as a Variant of Uncertain Significance.

NM_005159.5(ACTC1):c.94G>C (p.Val32Leu)

Genes: ACTC1 (actin alpha cardiac muscle 1; minus strand), GJD2-DT (GJD2 divergent transcript; plus strand). Cytogenetic location: 15q14.
Variant type: single nucleotide variant.
Coding change: c.94G>C on transcript NM_005159.5 (MANE Select); coding-DNA position 94, G replaced by C.
Protein change: p.Val32Leu; replaces valine 32 with leucine.
Molecular consequence: missense variant.
Genome position (GRCh38, 1-based): chr15:34,794,715, C>G on the plus strand (G>C on the coding strand, the complement: ACTC1 is on the minus strand). VCF-style: chr15-34794715-C-G. GRCh37 (hg19) VCF-style: chr15-35086916-C-G.
Other names: c.94G>C, p.Val32Leu (NM_001406482.1, NM_001406483.1); short protein forms V32L.
Identifiers: ClinVar variation 2078612 (VCV002078612.4), dbSNP rs1555419003, ClinGen allele CA391633144.